The following is an entry in ClinVar:

ClinVar aggregate classification (germline): Pathogenic. Review status: criteria provided, multiple submitters, no conflicts (2 of 4 stars). 2 submissions from 2 submitters: Pathogenic (2). Last evaluated 2022-07-14.

Conditions:
Metaphyseal chondrodysplasia, McKusick type (CHH). Also called: Cartilage-hair hypoplasia; Cartilage-Hair Hypoplasia (CHH). Identifiers: Orphanet 175, MedGen C0220748, MONDO:0009595, OMIM 250250.
Anauxetic dysplasia. Identifiers: Orphanet 93347, MedGen C1846796, MONDO:0011773.

Allele frequency attached by ClinVar (database versions not stated): gnomAD exomes below 0.00001.

Submissions (2):

Victorian Clinical Genetics Services, Murdoch Childrens Research Institute
Classification: Pathogenic for Metaphyseal chondrodysplasia, McKusick type. Last evaluated: 2022-07-14. Review status: criteria provided, single submitter. Criteria: ACMG Guidelines, 2015. Collection method: clinical testing. Allele origin: paternal. Affected: yes.
Comment: - Non-coding variant with predicted effect. This variant is predicted to result in an unstable RNA transcript. This finding is supported by the literature, and by inhouse RNA sequencing data (non-accredited) (PMID: 21396580, 17701897). (SP) - Variant is absent from gnomAD (v3). (SP) - Other variants comparable to the one identified in this case have moderate previous evidence for pathogenicity. Small insertions, deletions and duplication variants in the same region have been classified as pathogenic and shown to result in RMRP transcript instability in individuals with cartilage-hair hypoplasia (ClinVar, PMID: 21396580, 16254002). (SP) - This variant has moderate functional evidence supporting abnormal function. Inhouse RNA sequencing data (non-accredited) showed a strong bias towards the wild-type RMRP transcript in this individual's carrier mother, consistent with the predicted affect of this variant on RMRP transcript stability. RMRP transcript levels in the proband were reduced by approximately 5-fold, consistent with a more pronounced effect of the combined maternal and paternal variants. (SP) - Very strong and specific phenotype match for this individual. (SP) - Heterozygous variant detected in trans with a second pathogenic heterozygous variant (n.-5_-4insAACTACTCTGTGAAGCTGA) in a recessive disease. (SP Additional information: - Loss of function is a known mechanism of disease in this gene and is associated with Anauxetic dysplasia 1 (MIM#607095), Cartilage-hair hypoplasia (MIM#250250), Metaphyseal dysplasia without hypotrichosis (MIM#250460). (I) - This gene is associated with autosomal recessive disease. (I) - Variants in this gene are known to have variable expressivity. Significant, even intrafamilial phenotypic heterogeneity has been reported (PMID: 18804272, 8444246). (I) - This variant is heterozygous. (I) - Variant is not located in an established domain, motif, hotspot or informative constraint region. (I) - This variant has no previous evidence of pathogenicity. (I) Legend: (SP) - Supporting pathogenic, (I) - Information, (SB) - Supporting benign

Labcorp Genetics (formerly Invitae), Labcorp
Classification: Pathogenic for Anauxetic dysplasia. Last evaluated: 2022-02-04. Review status: criteria provided, single submitter. Criteria: Invitae Variant Classification Sherloc (09022015). Collection method: clinical testing. Allele origin: germline.
Comment: For these reasons, this variant has been classified as Pathogenic. Experimental studies and prediction algorithms are not available or were not evaluated, and the functional significance of this variant is currently unknown. This variant is also known as g.92_93insA. This variant has been observed in individual(s) with RMRP-related conditions (PMID: 16244706, 30102486; Invitae). In at least one individual the data is consistent with being in trans (on the opposite chromosome) from a pathogenic variant. This variant is not present in population databases (gnomAD no frequency). This variant occurs in the RMRP gene, which encodes an RNA molecule that does not result in a protein product.

Literature cited by the submitters: PubMed 16244706 (cited by Labcorp Genetics (formerly Invitae), Labcorp); PubMed 30102486 (cited by Labcorp Genetics (formerly Invitae), Labcorp).

NR_003051.4(RMRP):n.94dup

Gene: RMRP (RNA component of mitochondrial RNA processing endoribonuclease; minus strand). Cytogenetic location: 9p13.3.
Variant type: Duplication.
Genome position: GRCh38 VCF-style: chr9-35657925-C-CT. GRCh37 (hg19) VCF-style: chr9-35657922-C-CT.
Identifiers: ClinVar variation 1426407 (VCV001426407.6), dbSNP rs2131808768, ClinGen allele CA2573131733.